The following is an entry in ClinVar:

ClinVar aggregate classification (germline): Likely pathogenic (1 of 4 stars; one submission).

Conditions:
Ichthyosis linearis circumflexa. Identifiers: MedGen C0265962, MONDO:0043106, HP:0025810.

Submission:

Labcorp Genetics (formerly Invitae), Labcorp
Classification: Likely pathogenic for Ichthyosis linearis circumflexa. Last evaluated: 2025-10-01. Review status: criteria provided, single submitter. Criteria: Invitae Variant Classification Sherloc (09022015). Collection method: clinical testing. Allele origin: germline.
Comment: This sequence change affects an acceptor splice site in intron 15 of the SPINK5 gene. It is expected to disrupt RNA splicing. Variants that disrupt the donor or acceptor splice site typically lead to a loss of protein function (PMID: 16199547), and loss-of-function variants in SPINK5 are known to be pathogenic (PMID: 11511292, 11841556). This variant is not present in population databases (gnomAD no frequency). This variant has not been reported in the literature in individuals affected with SPINK5-related conditions. Algorithms developed to predict the effect of sequence changes on RNA splicing suggest that this variant may disrupt the consensus splice site. In summary, the currently available evidence indicates that the variant is pathogenic, but additional data are needed to prove that conclusively. Therefore, this variant has been classified as Likely Pathogenic.

Literature cited by the submitters: PubMed 16199547; PubMed 11511292; PubMed 11841556.

NM_006846.4(SPINK5):c.1431-1G>C

Gene: SPINK5 (serine peptidase inhibitor Kazal type 5; plus strand). Cytogenetic location: 5q32.
Variant type: single nucleotide variant.
Coding change: c.1431-1G>C on transcript NM_006846.4 (MANE Select); the canonical splice acceptor site of the intron before coding-DNA position 1431, G replaced by C.
Molecular consequence: splice acceptor variant.
Genome position (GRCh38, 1-based): chr5:148,104,951, G>C. VCF-style: chr5-148104951-G-C. GRCh37 (hg19) VCF-style: chr5-147484514-G-C.
Other names: c.1431-1G>C (NM_001127698.2, NM_001127699.2).
Identifiers: ClinVar variation 4726633 (VCV004726633.1).